The following is an entry in ClinVar:

NM_020937.4(FANCM):c.3892T>C (p.Ser1298Pro)

Gene: FANCM (FA complementation group M; plus strand). Cytogenetic location: 14q21.2.
Variant type: single nucleotide variant.
Coding change: c.3892T>C on transcript NM_020937.4 (MANE Select); coding-DNA position 3892, T replaced by C.
Protein change: p.Ser1298Pro; replaces serine 1298 with proline.
Molecular consequence: missense variant.
Genome position (GRCh38, 1-based): chr14:45,176,646, T>C. VCF-style: chr14-45176646-T-C. GRCh37 (hg19) VCF-style: chr14-45645849-T-C.
Other names: c.3892T>C (NM_020937.3); c.3814T>C, p.Ser1272Pro (NM_001308133.2); short protein forms S1272P, S1298P.
Identifiers: ClinVar variation 2574895 (VCV002574895.3), dbSNP rs1888723987, ClinGen allele CA389603435.

ClinVar aggregate classification (germline): Uncertain significance. Review status: criteria provided, multiple submitters, no conflicts (2 of 4 stars). 3 submissions from 3 submitters: Uncertain significance (3). Last evaluated 2025-06-30.

Conditions:
Inborn genetic diseases. Identifiers: MedGen C0950123, MeSH D030342.

Allele frequency attached by ClinVar (database versions not stated): TOPMed 0.00001.

Submissions (3):

Quest Diagnostics Nichols Institute San Juan Capistrano
Classification: Uncertain significance. Last evaluated: 2025-06-30. Review status: criteria provided, single submitter. Criteria: Quest Diagnostics criteria. Collection method: clinical testing. Allele origin: unknown.
Comment: The FANCM c.3892T>C (p.Ser1298Pro) variant has not been reported in individuals with FANCM-related conditions in the published literature. It also has not been reported in large, multi-ethnic general populations (Genome Aggregation Database). Analysis of this variant using bioinformatics tools for the prediction of the effect of amino acid changes on protein structure and function yielded predictions that this variant is benign. Based on the available information, we are unable to determine the clinical significance of this variant.

Ambry Genetics
Classification: Uncertain significance for Inborn genetic diseases. Last evaluated: 2025-04-29. Review status: criteria provided, single submitter. Criteria: Ambry Variant Classification Scheme 2023. Collection method: clinical testing. Allele origin: germline.
Comment: The p.S1298P variant (also known as c.3892T>C), located in coding exon 14 of the FANCM gene, results from a T to C substitution at nucleotide position 3892. The serine at codon 1298 is replaced by proline, an amino acid with similar properties. This amino acid position is conserved. In addition, this alteration is predicted to be tolerated by in silico analysis. Based on the available evidence, the clinical significance of this variant remains unclear.

GeneDx
Classification: Uncertain significance. Last evaluated: 2023-02-03. Review status: criteria provided, single submitter. Criteria: GeneDx Variant Classification Process June 2021. Collection method: clinical testing. Allele origin: germline. Affected: yes.
Comment: Not observed at significant frequency in large population cohorts (gnomAD); In silico analysis supports that this missense variant does not alter protein structure/function; Has not been previously published as pathogenic or benign to our knowledge